The following is an entry in ClinVar:

NM_001242.5(CD27):c.246G>C (p.Glu82Asp)

Genes: CD27 (CD27 molecule; plus strand), CD27-AS1 (CD27 antisense RNA 1; minus strand). Cytogenetic location: 12p13.31.
Variant type: single nucleotide variant.
Coding change: c.246G>C on transcript NM_001242.5 (MANE Select); coding-DNA position 246, G replaced by C.
Protein change: p.Glu82Asp; replaces glutamic acid 82 with aspartic acid.
Molecular consequence: missense variant.
Genome position (GRCh38, 1-based): chr12:6,445,533, G>C. VCF-style: chr12-6445533-G-C. GRCh37 (hg19) VCF-style: chr12-6554699-G-C.
Other names: c.246G>C, p.Glu82Asp (NM_001413263.1, NM_001413265.1); c.-205G>C (NM_001413266.1, NM_001413268.1); c.-293G>C (NM_001413267.1); short protein forms E82D.
Identifiers: ClinVar variation 2005848 (VCV002005848.4), dbSNP rs2498108525, ClinGen allele CA383547185.

ClinVar aggregate classification (germline): Uncertain significance (1 of 4 stars; one submission).

Conditions:
Lymphoproliferative syndrome 2 (LPFS2). Also called: Combined immunodeficiency due to CD27 deficiency; CD27 DEFICIENCY. Identifiers: Orphanet 238505, MedGen C3554540, MONDO:0014054, OMIM 615122.

Allele frequency attached by ClinVar (database versions not stated): gnomAD exomes below 0.00001.

Submission:

Labcorp Genetics (formerly Invitae), Labcorp
Classification: Uncertain significance for Lymphoproliferative syndrome 2. Last evaluated: 2022-07-11. Review status: criteria provided, single submitter. Criteria: Invitae Variant Classification Sherloc (09022015). Collection method: clinical testing. Allele origin: germline.
Comment: This sequence change replaces glutamic acid, which is acidic and polar, with aspartic acid, which is acidic and polar, at codon 82 of the CD27 protein (p.Glu82Asp). In summary, the available evidence is currently insufficient to determine the role of this variant in disease. Therefore, it has been classified as a Variant of Uncertain Significance. Algorithms developed to predict the effect of missense changes on protein structure and function (SIFT, PolyPhen-2, Align-GVGD) all suggest that this variant is likely to be disruptive. This variant has not been reported in the literature in individuals affected with CD27-related conditions. This variant is not present in population databases (gnomAD no frequency).